The following is an entry in ClinVar:

ClinVar aggregate classification (germline): Uncertain significance. Review status: reviewed by expert panel (3 of 4 stars). 2 submissions from 2 submitters: Uncertain significance (1). 1 of the submissions does not count toward it. Last evaluated 2026-04-10.

Conditions:
Pulmonary hypertension, primary, 1 (PPH1). Also called: Pulmonary hypertension, familial primary, 1, with or without HHT. Identifiers: Orphanet 422, MedGen C4552070, MONDO:0024533, OMIM 178600.
Pulmonary arterial hypertension. Identifiers: Orphanet 182090, MedGen C2973725, MeSH D000081029, MONDO:0015924, HP:0002092.

Submissions (2):

Clingen Pulmonary Hypertension Variant Curation Expert Panel, ClinGen
Classification: Uncertain significance for Pulmonary arterial hypertension. Last evaluated: 2026-04-10. Review status: reviewed by expert panel. Criteria: ClinGen PH ACMG Specifications BMPR2 V2.0.0. Collection method: curation. Allele origin: germline. Inheritance: Autosomal dominant inheritance.
Comment: The NM_001204.7 (BMPR2) c.419-10T>C variant is a splice region variant located in the polypyrimidine tract of intron 3. The variant is absent from gnomAD v2.1.1 controls and v4.1.0 (PM2_supporting) and was reported in a single proband with childhood-onset idiopathic PAH (PMID: 23298310). In silico prediction (SpliceAI = 0) indicates no impact on splicing (BP4) but no functional analysis has been reported. No familial segregation data were available. In summary, the variant meets the criteria to be classified as uncertain significance for pulmonary arterial hypertension based on the ACMG/AMP criteria applied, as specified by the ClinGen Pulmonary Hypertension VCEP: PM2_supporting, BP4 (VCEP specification version 2.0, 1/30/2026).

Rare Disease Genomics Group, St George's University of London
Classification: Pathogenic for Primary pulmonary hypertension. Review status: no assertion criteria provided. Collection method: literature only. Allele origin: germline. Affected: yes. Not counted in ClinVar's aggregate classification.

Literature cited by the submitters: PubMed 23298310 (cited by Rare Disease Genomics Group, St George's University of London).

NM_001204.7(BMPR2):c.419-10T>C

Gene: BMPR2 (bone morphogenetic protein receptor type 2; plus strand). Cytogenetic location: 2q33.2.
Variant type: single nucleotide variant.
Coding change: c.419-10T>C on transcript NM_001204.7 (MANE Select); 10 bases into the intron before coding-DNA position 419, T replaced by C.
Molecular consequence: intron variant.
Genome position (GRCh38, 1-based): chr2:202,513,709, T>C. VCF-style: chr2-202513709-T-C. GRCh37 (hg19) VCF-style: chr2-203378432-T-C.
Other names: c.419-10T>C (LRG_712t1).
Identifiers: ClinVar variation 425783 (VCV000425783.2), dbSNP rs1085307231, ClinGen allele CA645293797.
Genomic context (GRCh38, chr2:202,513,709, plus strand): 5'-GCAGTCTGTCAGTATTTAACAAAATACTTTTTTAAAAAAAAATGACATTTCAAAATTTGT[T>C]TTCTTTTAGGTCCACCTCATTCATTTAACCGAGATGAGACAATAATCATTGCTTTGGCAT-3'